The following is an entry in ClinVar:

NM_001365536.1(SCN9A):c.1744G>C (p.Glu582Gln)

Genes: SCN1A-AS1 (SCN1A and SCN9A antisense RNA 1; plus strand), SCN9A (sodium voltage-gated channel alpha subunit 9; minus strand). Cytogenetic location: 2q24.3.
Variant type: single nucleotide variant.
Coding change: c.1744G>C on transcript NM_001365536.1 (MANE Select); coding-DNA position 1744, G replaced by C.
Protein change: p.Glu582Gln; replaces glutamic acid 582 with glutamine.
Molecular consequence: missense variant.
Genome position (GRCh38, 1-based): chr2:166,284,683, C>G on the plus strand (G>C on the coding strand, the complement: SCN9A is on the minus strand). VCF-style: chr2-166284683-C-G. GRCh37 (hg19) VCF-style: chr2-167141193-C-G.
Other names: c.1744G>C, p.Glu582Gln (NM_002977.4); short protein forms E582Q.
Identifiers: ClinVar variation 1779265 (VCV001779265.2), dbSNP rs201391809, ClinGen allele CA349083644.

ClinVar aggregate classification (germline): Uncertain significance (1 of 4 stars; one submission).

Conditions:
Inborn genetic diseases. Identifiers: MedGen C0950123, MeSH D030342.

Submission:

Ambry Genetics
Classification: Uncertain significance for Inborn genetic diseases. Last evaluated: 2021-04-05. Review status: criteria provided, single submitter. Criteria: Ambry Variant Classification Scheme 2023. Collection method: clinical testing. Allele origin: germline.
Comment: The p.E582Q variant (also known as c.1744G>C), located in coding exon 11 of the SCN9A gene, results from a G to C substitution at nucleotide position 1744. The glutamic acid at codon 582 is replaced by glutamine, an amino acid with highly similar properties. This amino acid position is not well conserved in available vertebrate species. In addition, the in silico prediction for this alteration is inconclusive. Since supporting evidence is limited at this time, the clinical significance of this alteration remains unclear.